The following is an entry in ClinVar:

ClinVar aggregate classification (germline): Uncertain significance (1 of 4 stars; one submission).

Allele frequency attached by ClinVar (database versions not stated): gnomAD exomes below 0.00001; gnomAD 0.00001.
gnomAD v4.1: 4 of 1,550,046 alleles (0.00026%); highest among the groups gnomAD compares: Non-Finnish European, 0.00017%; no homozygotes.

Submission:

Labcorp Genetics (formerly Invitae), Labcorp
Classification: Uncertain significance. Last evaluated: 2022-10-17. Review status: criteria provided, single submitter. Criteria: Invitae Variant Classification Sherloc (09022015). Collection method: clinical testing. Allele origin: germline.
Comment: Advanced modeling of protein sequence and biophysical properties (such as structural, functional, and spatial information, amino acid conservation, physicochemical variation, residue mobility, and thermodynamic stability) has been performed at Invitae for this missense variant, however the output from this modeling did not meet the statistical confidence thresholds required to predict the impact of this variant on ARPC1B protein function. Algorithms developed to predict the effect of sequence changes on RNA splicing suggest that this variant may create or strengthen a splice site. In summary, the available evidence is currently insufficient to determine the role of this variant in disease. Therefore, it has been classified as a Variant of Uncertain Significance. This variant is present in population databases (no rsID available, gnomAD 0.03%). This sequence change replaces alanine, which is neutral and non-polar, with valine, which is neutral and non-polar, at codon 309 of the ARPC1B protein (p.Ala309Val). This variant has not been reported in the literature in individuals affected with ARPC1B-related conditions.

NM_005720.4(ARPC1B):c.926C>T (p.Ala309Val)

Gene: ARPC1B (actin related protein 2/3 complex subunit 1B; plus strand). Cytogenetic location: 7q22.1.
Variant type: single nucleotide variant.
Coding change: c.926C>T on transcript NM_005720.4 (MANE Select); coding-DNA position 926, C replaced by T.
Protein change: p.Ala309Val; replaces alanine 309 with valine.
Molecular consequence: missense variant.
Genome position (GRCh38, 1-based): chr7:99,392,813, C>T. VCF-style: chr7-99392813-C-T. GRCh37 (hg19) VCF-style: chr7-98990436-C-T.
Other names: short protein forms A309V.
Identifiers: ClinVar variation 2088566 (VCV002088566.4), dbSNP rs1219340821, ClinGen allele CA368329073.